The following is an entry in ClinVar:

NM_144997.7(FLCN):c.1301-3C>G

Gene: FLCN (folliculin; minus strand). Cytogenetic location: 17p11.2.
Variant type: single nucleotide variant.
Coding change: c.1301-3C>G on transcript NM_144997.7 (MANE Select); 3 bases into the intron before coding-DNA position 1301, C replaced by G.
Molecular consequence: intron variant.
Genome position (GRCh38, 1-based): chr17:17,215,319, G>C on the plus strand (C>G on the coding strand, the complement: FLCN is on the minus strand). VCF-style: chr17-17215319-G-C. GRCh37 (hg19) VCF-style: chr17-17118633-G-C.
Other names: c.1301-3C>G (NM_001353231.2, NM_001353230.2); c.1355-3C>G (NM_001353229.2).
Identifiers: ClinVar variation 4257926 (VCV004257926.1).

ClinVar aggregate classification (germline): Uncertain significance (1 of 4 stars; one submission).

Conditions:
Hereditary cancer-predisposing syndrome. Also called: Hereditary Cancer Syndrome; Hereditary neoplastic syndrome; Neoplastic Syndromes, Hereditary; Tumor predisposition. Identifiers: Orphanet 140162, MedGen C0027672, MeSH D009386, MONDO:0015356.

Submission:

Ambry Genetics
Classification: Uncertain significance for Hereditary cancer-predisposing syndrome. Last evaluated: 2025-07-18. Review status: criteria provided, single submitter. Criteria: Ambry Variant Classification Scheme 2023. Collection method: clinical testing. Allele origin: germline.
Comment: The c.1301-3C>G intronic variant results from a C to G substitution 3 nucleotides upstream from coding exon 9 in the FLCN gene. This nucleotide position is well conserved in available vertebrate species. In silico splice site analysis predicts that this alteration will weaken the native splice acceptor site and will result in the creation or strengthening of a novel splice acceptor site; however, direct evidence is insufficient at this time (Ambry internal data). Other variant(s) impacting the same donor/acceptor site (c.1301-1G>A) have been identified in individual(s) with features consistent with Birt-Hogg-Dube syndrome (Ray A et al. Orphanet J Rare Dis, 2022 Apr;17:176; Ambry internal data). Based on the available evidence, the clinical significance of this variant remains unclear.